The following is an entry in ClinVar:

ClinVar aggregate classification (germline): Pathogenic/Likely pathogenic. Review status: criteria provided, multiple submitters, no conflicts (2 of 4 stars). 2 submissions from 2 submitters: Pathogenic (1); Likely pathogenic (1). Last evaluated 2025-08-01.

Conditions:
SLC35A2-congenital disorder of glycosylation. Also called: EPILEPTIC ENCEPHALOPATHY, EARLY INFANTILE, 22; DEVELOPMENTAL AND EPILEPTIC ENCEPHALOPATHY 22; SLC35A2-CDG; CONGENITAL DISORDER OF GLYCOSYLATION, TYPE IIm; CDG IIm; CONGENITAL DISORDER OF GLYCOSYLATION, TYPE IIm, SOMATIC MOSAIC. Identifiers: Orphanet 356961, MedGen C3806688, MONDO:0010478, OMIM 300896.

Submissions (2):

CeGaT Center for Human Genetics Tuebingen
Classification: Pathogenic. Last evaluated: 2025-08-01. Review status: criteria provided, single submitter. Criteria: CeGaT Center For Human Genetics Tuebingen Variant Classification Criteria Version 2. Collection method: clinical testing. Allele origin: germline. Affected: yes. Observed: 1 variant allele.
Comment: SLC35A2: PVS1:Strong, PM2, PS2:Moderate, PS4:Moderate

Baylor Genetics
Classification: Likely pathogenic for SLC35A2-congenital disorder of glycosylation. Last evaluated: 2022-05-18. Review status: criteria provided, single submitter. Criteria: ACMG Guidelines, 2015. Collection method: clinical testing. Allele origin: unknown.

NM_005660.3(SLC35A2):c.795dup (p.Gly266fs)

Gene: SLC35A2 (solute carrier family 35 member A2; minus strand). Cytogenetic location: Xp11.23.
Variant type: Duplication.
Coding change: c.795dup on transcript NM_005660.3 (MANE Select); coding-DNA position 795, one base duplicated (T; older notation c.795dupT).
Protein change: p.Gly266fs; shifts the reading frame from glycine 266.
Molecular consequence: frameshift variant. On other transcripts: intron variant (3).
Genome position (GRCh38, 1-based): chrX:48,905,114, A duplicated on the plus strand (T on the coding strand, the reverse complement: SLC35A2 is on the minus strand); the first of 6 consecutive A bases (chrX:48,905,114-48,905,119); duplicating any one gives the same sequence. VCF-style (leftmost placement, unchanged base first): chrX-48905113-C-CA. GRCh37 (hg19) VCF-style: chrX-48762390-C-CA.
Other names: c.795dup, p.Gly266fs (NM_001042498.3); c.612dup, p.Gly205fs (NM_001282649.2); c.834dup, p.Gly279fs (NM_001282650.2); c.879dup, p.Gly294fs (NM_001282651.2); c.427-222dup (NM_001282647.2, NM_001032289.3); c.355-222dup (NM_001282648.2); short protein forms G205fs, G266fs, G279fs, G294fs.
Identifiers: ClinVar variation 2442224 (VCV002442224.9), dbSNP rs1557042808, ClinGen allele CA2580101089.